The following is an entry in ClinVar:

NM_177438.3(DICER1):c.4463C>T (p.Ser1488Phe)

Gene: DICER1 (dicer 1, ribonuclease III; minus strand). Cytogenetic location: 14q32.13.
Variant type: single nucleotide variant.
Coding change: c.4463C>T on transcript NM_177438.3 (MANE Select); coding-DNA position 4463, C replaced by T.
Protein change: p.Ser1488Phe; replaces serine 1488 with phenylalanine.
Molecular consequence: missense variant.
Genome position (GRCh38, 1-based): chr14:95,096,457, G>A on the plus strand (C>T on the coding strand, the complement: DICER1 is on the minus strand). VCF-style: chr14-95096457-G-A. GRCh37 (hg19) VCF-style: chr14-95562794-G-A.
Other names: c.4463C>T, p.Ser1488Phe (NM_001195573.1, NM_001271282.3, NM_001291628.2 and 1 more transcripts); short protein forms S1488F.
Identifiers: ClinVar variation 1511629 (VCV001511629.9), dbSNP rs2139849946, ClinGen allele CA390868303.

ClinVar aggregate classification (germline): Uncertain significance (1 of 4 stars; one submission).

Conditions:
DICER1-related tumor predisposition. Also called: DICER1 syndrome; DICER1-related pleuropulmonary blastoma cancer predisposition syndrome. Identifiers: Orphanet 284343, MedGen C3839822, MONDO:0100216.

Submission:

Labcorp Genetics (formerly Invitae), Labcorp
Classification: Uncertain significance for DICER1-related tumor predisposition. Last evaluated: 2021-02-18. Review status: criteria provided, single submitter. Criteria: Invitae Variant Classification Sherloc (09022015). Collection method: clinical testing. Allele origin: germline.
Comment: In summary, the available evidence is currently insufficient to determine the role of this variant in disease. Therefore, it has been classified as a Variant of Uncertain Significance. Algorithms developed to predict the effect of missense changes on protein structure and function (SIFT, PolyPhen-2, Align-GVGD) all suggest that this variant is likely to be tolerated, but these predictions have not been confirmed by published functional studies and their clinical significance is uncertain. This variant has not been reported in the literature in individuals with DICER1-related conditions. This variant is not present in population databases (ExAC no frequency). This sequence change replaces serine with phenylalanine at codon 1488 of the DICER1 protein (p.Ser1488Phe). The serine residue is weakly conserved and there is a large physicochemical difference between serine and phenylalanine.